The following is an entry in ClinVar:

ClinVar aggregate classification (germline): Benign/Likely benign. Review status: criteria provided, multiple submitters, no conflicts (2 of 4 stars). 4 submissions from 4 submitters: Benign (2); Likely benign (1). 1 of the submissions does not count toward it. Last evaluated 2025-01-06.

Conditions:
KIDINS220-related disorder. Also called: KIDINS220-related condition.

Allele frequency attached by ClinVar (database versions not stated): ExAC 0.00007; gnomAD exomes 0.00011.
gnomAD v4.1: 113 of 1,614,010 alleles (0.007%); highest among the groups gnomAD compares: Middle Eastern, 0.12%; no homozygotes.

Submissions (4):

Labcorp Genetics (formerly Invitae), Labcorp
Classification: Benign. Last evaluated: 2025-01-06. Review status: criteria provided, single submitter. Criteria: Invitae Variant Classification Sherloc (09022015). Collection method: clinical testing. Allele origin: germline.

CeGaT Center for Human Genetics Tuebingen
Classification: Likely benign. Last evaluated: 2025-01-01. Review status: criteria provided, single submitter. Criteria: CeGaT Center For Human Genetics Tuebingen Variant Classification Criteria Version 2. Collection method: clinical testing. Allele origin: germline. Affected: yes. Observed: 2 variant alleles.
Comment: KIDINS220: BP4, BP7

Breakthrough Genomics
Classification: Benign. Review status: criteria provided, single submitter. Criteria: ACMG Guidelines, 2015. Collection method: not provided. Allele origin: germline. Inheritance: Autosomal recessive inheritance. Affected: yes.

PreventionGenetics, part of Exact Sciences
Classification: Likely benign for KIDINS220-related condition. Last evaluated: 2022-04-15. Review status: no assertion criteria provided. Collection method: clinical testing. Allele origin: germline. Not counted in ClinVar's aggregate classification.
Comment: This variant is classified as likely benign based on ACMG/AMP sequence variant interpretation guidelines (Richards et al. 2015 PMID: 25741868, with internal and published modifications).

NM_020738.4(KIDINS220):c.3378C>T (p.Ser1126=)

Gene: KIDINS220 (kinase D interacting substrate 220; minus strand). Cytogenetic location: 2p25.1.
Variant type: single nucleotide variant.
Coding change: c.3378C>T on transcript NM_020738.4 (MANE Select); coding-DNA position 3378, C replaced by T.
Protein change: p.Ser1126=; no amino-acid change (serine 1126 retained).
Molecular consequence: synonymous variant. On other transcripts: non-coding transcript variant (2).
Genome position (GRCh38, 1-based): chr2:8,750,148, G>A on the plus strand (C>T on the coding strand, the complement: KIDINS220 is on the minus strand). VCF-style: chr2-8750148-G-A. GRCh37 (hg19) VCF-style: chr2-8890278-G-A.
Other names: c.3381C>T, p.Ser1127= (NM_001348729.2, NM_001348731.2, NM_001348734.2 and 2 more transcripts); c.3378C>T, p.Ser1126= (NM_001348732.2, NM_001348735.2, NM_001348738.2 and 3 more transcripts); c.3252C>T, p.Ser1084= (NM_001348736.2); c.3378C>T (NM_020738.2).
Identifiers: ClinVar variation 1536245 (VCV001536245.33), dbSNP rs776696126, ClinGen allele CA1519683.
Genomic context (GRCh38, chr2:8,750,148, plus strand): 5'-TAAAGCTGCCTCCAACTTCCTTACCCTGTTGTAGAAGGGATGCTGAGGGCCCGTCATGCC[G>A]CTGTAATAGCTGCTGTGAGGCTGTGGTGACACCACTCCACCTGCGAAGGGCCCATTGAAG-3'
Protein context (NP_065789.1, residues 1116-1136): VSPQPHSSYY[Ser1126=]GMTGPQHPFY